The following continues an entry in ClinVar:

NM_032043.3(BRIP1):c.2469G>T (p.Arg823Ser)

Gene: BRIP1. ClinVar aggregate classification (germline): Uncertain significance. Uncertain significance (13).

Submissions 12 to 16 of 16:

Sema4
Classification: Uncertain significance for Hereditary cancer-predisposing syndrome. Last evaluated: 2021-05-06. Review status: criteria provided, single submitter. Criteria: Sema4 Curation Guidelines. Collection method: curation. Allele origin: germline.
Comment: The BRIP1 c.2469G>T (p.R823S) variant has been reported in individuals with pancreatic cancer and breast cancer (PMID: 28767289, 17033622). This variant was observed in 10/10054 chromosomes in the Ashkenazi Jewish population, with no homozygotes, according to the Genome Aggregation Database (PMID: 32461654) and has been reported in ClinVar (ClinVar ID 128173). In silico tools suggest the impact of the variant on protein function is deleterious, though these predictions have not been confirmed by functional studies. The evidence is insufficient to meet ACMG/AMP criteria for classifying the variant as benign or pathogenic. Thus, the clinical significance of this variant is currently uncertain.

Women's Health and Genetics/Laboratory Corporation of America, LabCorp
Classification: Uncertain significance. Last evaluated: 2016-01-04. Review status: criteria provided, single submitter. Criteria: LabCorp Variant Classification Summary - May 2015. Collection method: clinical testing. Allele origin: germline.

True Health Diagnostics
Classification: Likely benign for Hereditary cancer-predisposing syndrome. Last evaluated: 2017-06-23. Review status: no assertion criteria provided. Collection method: clinical testing. Allele origin: germline. Not counted in ClinVar's aggregate classification.

Counsyl
Classification: Uncertain significance for Fanconi anemia complementation group J; Ovarian cancer. Last evaluated: 2017-06-13. Review status: no assertion criteria provided. Collection method: clinical testing. Allele origin: unknown. Not counted in ClinVar's aggregate classification.

Department of Pathology and Laboratory Medicine, Sinai Health System
Classification: Uncertain significance for Malignant tumor of breast. Review status: no assertion criteria provided. Collection method: clinical testing. Allele origin: unknown. Affected: yes. Study: The Canadian Open Genetics Repository (COGR). Not counted in ClinVar's aggregate classification.
Comment: The BRIP1 p.Arg823Ser variant was identified in 2 of 4132 proband chromosomes (frequency: 0.0005) from individuals or families with breast or pancreatic cancer and was not identified in 4162 control chromosomes from healthy individuals (Seal 2006, Shindo 2017). The variant was also identified in dbSNP (ID: rs587780239) as "With Likely benign, Uncertain significance allele", ClinVar (classified as uncertain significance by GeneDx, Invitae, Ambry Genetics and three other submitters; and as likely benign by True Health Diagnostics). The variant was identified in control databases in 12 of 244892 chromosomes at a frequency of 0.00005 (Genome Aggregation Database Feb 27, 2017). The variant was observed in the following populations: European in 2 of 111146 chromosomes (freq: 0.00002) and Ashkenazi Jewish in 10 of 9830 chromosomes (freq: 0.001), while the variant was not observed in the African, Other, Latino, East Asian, Finnish, or South Asian populations. The p.Arg823 residue is conserved in mammals but not in more distantly related organisms, although 5 of 5 computational analyses (PolyPhen-2, SIFT, AlignGVGD, BLOSUM, MutationTaster) suggest that the variant may impact the protein; this information is not predictive enough to assume pathogenicity. The variant occurs outside of the splicing consensus sequence and 2 of 4 in silico or computational prediction software programs (SpliceSiteFinder, MaxEntScan, NNSPLICE, GeneSplicer) predict a greater than 10% difference in splicing; this is not very predictive of pathogenicity. In summary, based on the above information, the clinical significance of this variant cannot be determined with certainty at this time. This variant is classified as a variant of uncertain significance.

Literature cited by the submitters: PubMed 17033622 (cited by 7 submitters); PubMed 28767289 (cited by 5 submitters); PubMed 32885271 (cited by 4 submitters); PubMed 39400928 (cited by 3 submitters); PubMed 33471991 (cited by Quest Diagnostics Nichols Institute San Juan Capistrano and Color Diagnostics, LLC DBA Color Health); PubMed 29368626 (cited by Quest Diagnostics Nichols Institute San Juan Capistrano and Color Diagnostics, LLC DBA Color Health); PubMed 32659497 (cited by Quest Diagnostics Nichols Institute San Juan Capistrano and Color Diagnostics, LLC DBA Color Health); PubMed 35884425 (cited by Quest Diagnostics Nichols Institute San Juan Capistrano); PubMed 38136308 (cited by Quest Diagnostics Nichols Institute San Juan Capistrano).